The following is an entry in ClinVar:

ClinVar aggregate classification (germline): Pathogenic (1 of 4 stars; one submission).

Conditions:
Pontocerebellar hypoplasia, type 11. Identifiers: Orphanet 611247, MedGen C4540164, MONDO:0054669, OMIM 617695.

Submission:

3billion
Classification: Pathogenic for Pontocerebellar hypoplasia, type 11. Last evaluated: 2024-06-11. Review status: criteria provided, single submitter. Criteria: ACMG Guidelines, 2015. Collection method: clinical testing. Allele origin: germline. Affected: yes.
Comment: The variant is observed at an extremely low frequency in the gnomAD v4.0.0 dataset (total allele frequency: <0.001%). Predicted Consequence/Location: Frameshift: predicted to result in a loss or disruption of normal protein function through nonsense-mediated decay (NMD) or protein truncation. Multiple pathogenic variants are reported downstream of the variant. The variant has been reported to be associated with TBC1D23 related disorder (PMID: 34582790). Therefore, this variant is classified as Pathogenic according to the recommendation of ACMG/AMP guideline.

Literature cited by the submitters: PubMed 34582790.

NM_001199198.3(TBC1D23):c.743_744del (p.Gln248fs)

Gene: TBC1D23 (TBC1 domain family member 23; plus strand). Cytogenetic location: 3q12.1.
Variant type: Deletion.
Coding change: c.743_744del on transcript NM_001199198.3 (MANE Select); coding-DNA positions 743 to 744, 2 bases deleted (AA; older notation c.743_744delAA).
Protein change: p.Gln248fs; shifts the reading frame from glutamine 248.
Molecular consequence: frameshift variant.
Genome position (GRCh38, 1-based): chr3:100,295,319-100,295,320, AA deleted. VCF-style (leftmost placement, unchanged base first): chr3-100295318-CAA-C. GRCh37 (hg19) VCF-style: chr3-100014162-CAA-C.
Other names: c.743_744del, p.Gln248fs (NM_018309.5); short protein forms Q248fs.
Identifiers: ClinVar variation 4293118 (VCV004293118.1).